The following is an entry in ClinVar:

ClinVar aggregate classification (germline): Uncertain significance (1 of 4 stars; one submission).

Submission:

Labcorp Genetics (formerly Invitae), Labcorp
Classification: Uncertain significance. Last evaluated: 2023-02-26. Review status: criteria provided, single submitter. Criteria: Invitae Variant Classification Sherloc (09022015). Collection method: clinical testing. Allele origin: germline.
Comment: In summary, the available evidence is currently insufficient to determine the role of this variant in disease. Therefore, it has been classified as a Variant of Uncertain Significance. An algorithm developed to predict the effect of missense changes on protein structure and function (PolyPhen-2) suggests that this variant is likely to be disruptive. This variant has not been reported in the literature in individuals affected with VCAN-related conditions. This variant is not present in population databases (gnomAD no frequency). This sequence change replaces proline, which is neutral and non-polar, with serine, which is neutral and polar, at codon 3135 of the VCAN protein (p.Pro3135Ser).

NM_004385.5(VCAN):c.9403C>T (p.Pro3135Ser)

Genes: VCAN-AS1 (VCAN antisense RNA 1; minus strand), VCAN (versican; plus strand). Cytogenetic location: 5q14.3.
Variant type: single nucleotide variant.
Coding change: c.9403C>T on transcript NM_004385.5 (MANE Select); coding-DNA position 9403, C replaced by T.
Protein change: p.Pro3135Ser; replaces proline 3135 with serine.
Molecular consequence: missense variant.
Genome position (GRCh38, 1-based): chr5:83,547,994, C>T. VCF-style: chr5-83547994-C-T. GRCh37 (hg19) VCF-style: chr5-82843813-C-T.
Other names: c.1180C>T, p.Pro394Ser (NM_001126336.3); c.6442C>T, p.Pro2148Ser (NM_001164097.2); c.4141C>T, p.Pro1381Ser (NM_001164098.2); short protein forms P2148S, P1381S, P3135S, P394S.
Identifiers: ClinVar variation 2841157 (VCV002841157.3), dbSNP rs1747300004, ClinGen allele CA360296898.